The following is an entry in ClinVar:

ClinVar aggregate classification (germline): Uncertain significance (1 of 4 stars; one submission).

Submission:

Labcorp Genetics (formerly Invitae), Labcorp
Classification: Uncertain significance. Last evaluated: 2022-11-15. Review status: criteria provided, single submitter. Criteria: Invitae Variant Classification Sherloc (09022015). Collection method: clinical testing. Allele origin: germline.
Comment: This sequence change replaces leucine, which is neutral and non-polar, with arginine, which is basic and polar, at codon 243 of the BSND protein (p.Leu243Arg). In summary, the available evidence is currently insufficient to determine the role of this variant in disease. Therefore, it has been classified as a Variant of Uncertain Significance. Advanced modeling of protein sequence and biophysical properties (such as structural, functional, and spatial information, amino acid conservation, physicochemical variation, residue mobility, and thermodynamic stability) performed at Invitae indicates that this missense variant is expected to disrupt BSND protein function. This variant has not been reported in the literature in individuals affected with BSND-related conditions. This variant is present in population databases (no rsID available, gnomAD 0.003%).

NM_057176.3(BSND):c.728T>G (p.Leu243Arg)

Gene: BSND (barttin CLCNK type accessory subunit beta; plus strand). Cytogenetic location: 1p32.3.
Variant type: single nucleotide variant.
Coding change: c.728T>G on transcript NM_057176.3 (MANE Select); coding-DNA position 728, T replaced by G.
Protein change: p.Leu243Arg; replaces leucine 243 with arginine.
Molecular consequence: missense variant.
Genome position (GRCh38, 1-based): chr1:55,008,393, T>G. VCF-style: chr1-55008393-T-G. GRCh37 (hg19) VCF-style: chr1-55474066-T-G.
Other names: short protein forms L243R.
Identifiers: ClinVar variation 2158832 (VCV002158832.4), dbSNP rs1368447576, ClinGen allele CA340478578.
Genomic context (GRCh38, chr1:55,008,393, plus strand): 5'-CCCCACAACAGGAACCTCAGGGCTGCAGGTGCCCGCTGGACCGCTTCCAAGACTTTGCCC[T>G]GATTGATGCCCCAACGTTGGAGGATGAGCCCCAAGAGGGGCAGCAGTGGGAAATAGCCCT-3'
Protein context (NP_476517.1, residues 233-253): CPLDRFQDFA[Leu243Arg]IDAPTLEDEP